The following is an entry in ClinVar:

NM_000059.4(BRCA2):c.2581C>G (p.Gln861Glu)

Gene: BRCA2 (BRCA2 DNA repair associated; plus strand). Cytogenetic location: 13q13.1.
Variant type: single nucleotide variant.
Coding change: c.2581C>G on transcript NM_000059.4 (MANE Select); coding-DNA position 2581, C replaced by G.
Protein change: p.Gln861Glu; replaces glutamine 861 with glutamic acid.
Molecular consequence: missense variant. On other transcripts: non-coding transcript variant (1), intron variant (2).
Genome position (GRCh38, 1-based): chr13:32,336,936, C>G. VCF-style: chr13-32336936-C-G. GRCh37 (hg19) VCF-style: chr13-32911073-C-G.
Other names: c.2581C>G, p.Gln861Glu (NM_001406719.1, NM_001406720.1); c.1909+3549C>G (NM_001406721.1); c.424+5906C>G (NM_001406722.1); short protein forms Q861E.
Identifiers: ClinVar variation 2586271 (VCV002586271.6), dbSNP rs773356478, ClinGen allele CA387772588.

ClinVar aggregate classification (germline): Uncertain significance. Review status: criteria provided, multiple submitters, no conflicts (2 of 4 stars). 2 submissions from 2 submitters: Uncertain significance (2). Last evaluated 2025-08-20.

Conditions:
Hereditary breast ovarian cancer syndrome. Also called: BRCA1- and BRCA2-Associated Hereditary Breast and Ovarian Cancer; Hereditary breast and ovarian cancer; Hereditary breast and ovarian cancer syndrome (HBOC); Breast and ovarian cancer; Hereditary breast and ovarian cancer syndrome; Hereditary breast and/or ovarian cancer syndrome. Identifiers: Orphanet 145, MedGen C0677776, MeSH D061325, MONDO:0003582. Disease mechanism: loss of function.
Hereditary cancer-predisposing syndrome. Also called: Hereditary neoplastic syndrome; Tumor predisposition; Hereditary Cancer Syndrome; Neoplastic Syndromes, Hereditary. Identifiers: Orphanet 140162, MedGen C0027672, MeSH D009386, MONDO:0015356.

gnomAD v4.1: 2 of 1,590,860 alleles (0.00013%); highest among the groups gnomAD compares: Non-Finnish European, 0.00017%; no homozygotes.

Submissions (2):

Ambry Genetics
Classification: Uncertain significance for Hereditary cancer-predisposing syndrome. Last evaluated: 2025-08-20. Review status: criteria provided, single submitter. Criteria: Ambry Variant Classification Scheme 2023. Collection method: clinical testing. Allele origin: germline.
Comment: The p.Q861E variant (also known as c.2581C>G), located in coding exon 10 of the BRCA2 gene, results from a C to G substitution at nucleotide position 2581. The glutamine at codon 861 is replaced by glutamic acid, an amino acid with highly similar properties. This amino acid position is conserved. In addition, this alteration is predicted to be tolerated by in silico analysis. Since supporting evidence is limited at this time, the clinical significance of this alteration remains unclear.

Labcorp Genetics (formerly Invitae), Labcorp
Classification: Uncertain significance for Hereditary breast ovarian cancer syndrome. Last evaluated: 2025-04-29. Review status: criteria provided, single submitter. Criteria: Invitae Variant Classification Sherloc (09022015). Collection method: clinical testing. Allele origin: germline.
Comment: This sequence change replaces glutamine, which is neutral and polar, with glutamic acid, which is acidic and polar, at codon 861 of the BRCA2 protein (p.Gln861Glu). This variant is present in population databases (no rsID available, gnomAD 0.001%). This variant has not been reported in the literature in individuals affected with BRCA2-related conditions. ClinVar contains an entry for this variant (Variation ID: 2586271). Invitae Evidence Modeling of protein sequence and biophysical properties (such as structural, functional, and spatial information, amino acid conservation, physicochemical variation, residue mobility, and thermodynamic stability) indicates that this missense variant is not expected to disrupt BRCA2 protein function with a negative predictive value of 95%. In summary, the available evidence is currently insufficient to determine the role of this variant in disease. Therefore, it has been classified as a Variant of Uncertain Significance.